The following is an entry in ClinVar:

NM_004588.5(SCN2B):c.139C>T (p.Arg47Cys)

Gene: SCN2B (sodium voltage-gated channel beta subunit 2; minus strand). Cytogenetic location: 11q23.3.
Variant type: single nucleotide variant.
Coding change: c.139C>T on transcript NM_004588.5 (MANE Select); coding-DNA position 139, C replaced by T.
Protein change: p.Arg47Cys; replaces arginine 47 with cysteine.
Molecular consequence: missense variant.
Genome position (GRCh38, 1-based): chr11:118,168,683, G>A on the plus strand (C>T on the coding strand, the complement: SCN2B is on the minus strand). VCF-style: chr11-118168683-G-A. GRCh37 (hg19) VCF-style: chr11-118039398-G-A.
Other names: short protein forms R47C.
Identifiers: ClinVar variation 2195149 (VCV002195149.4), dbSNP rs752526094, ClinGen allele CA6300518.
Genomic context (GRCh38, chr11:118,168,683, plus strand): 5'-AGTTCAGGGAGAACTGTTTGTGGTTCACTGTGTAGCAGGAGTTGAAGGTGCAGGGCAGGC[G>A]GGCGTCAGAGCCATTGAGGACGTTGAGGGTGGCAGGTACTGTGACCTCCATGCTCCGTCC-3'
Protein context (NP_004579.1, residues 37-57): TLNVLNGSDA[Arg47Cys]LPCTFNSCYT

ClinVar aggregate classification (germline): Uncertain significance (1 of 4 stars; one submission).

Conditions:
Atrial fibrillation, familial, 14 (ATFB14). Identifiers: MedGen C3809312, MONDO:0014156, OMIM 615378.

Allele frequency attached by ClinVar (database versions not stated): ExAC 0.00001; gnomAD exomes 0.00001; TOPMed 0.00001.

Submission:

Labcorp Genetics (formerly Invitae), Labcorp
Classification: Uncertain significance for Atrial fibrillation, familial, 14. Last evaluated: 2026-01-31. Review status: criteria provided, single submitter. Criteria: Invitae Variant Classification Sherloc (09022015). Collection method: clinical testing. Allele origin: germline.
Comment: This sequence change replaces arginine, which is basic and polar, with cysteine, which is neutral and slightly polar, at codon 47 of the SCN2B protein (p.Arg47Cys). This variant is present in population databases (rs752526094, gnomAD 0.002%). This variant has not been reported in the literature in individuals affected with SCN2B-related conditions. ClinVar contains an entry for this variant (Variation ID: 2195149). An algorithm developed to predict the effect of missense changes on protein structure and function (PolyPhen-2) suggests that this variant is likely to be disruptive. In summary, the available evidence is currently insufficient to determine the role of this variant in disease. Therefore, it has been classified as a Variant of Uncertain Significance.